The following is an entry in ClinVar:

NM_000440.3(PDE6A):c.274G>A (p.Asp92Asn)

Gene: PDE6A (phosphodiesterase 6A; minus strand). Cytogenetic location: 5q32.
Variant type: single nucleotide variant.
Coding change: c.274G>A on transcript NM_000440.3 (MANE Select); coding-DNA position 274, G replaced by A.
Protein change: p.Asp92Asn; replaces aspartic acid 92 with asparagine.
Molecular consequence: missense variant.
Genome position (GRCh38, 1-based): chr5:149,944,400, C>T on the plus strand (G>A on the coding strand, the complement: PDE6A is on the minus strand). VCF-style: chr5-149944400-C-T. GRCh37 (hg19) VCF-style: chr5-149323963-C-T.
Other names: short protein forms D92N.
Identifiers: ClinVar variation 352006 (VCV000352006.39), dbSNP rs199924410, ClinGen allele CA3505097.
Genomic context (GRCh38, chr5:149,944,400, plus strand): 5'-GCCTGGTGGCCAGCTCTGCGATGCCATTGCGGGTCCGGTACATGAACAGGCTCATGCGGT[C>T]TGCCTGCAGGAGGAAGCACAGCTTCTTCATGACATTGAAGATGCATTTCTCTGTCTGTAA-3'
Protein context (NP_000431.2, residues 82-102): MKKLCFLLQA[Asp92Asn]RMSLFMYRTR

ClinVar aggregate classification (germline): Conflicting classifications of pathogenicity. Review status: criteria provided, conflicting classifications (1 of 4 stars). 6 submissions from 6 submitters: Uncertain significance (3); Likely benign (3). Last evaluated 2025-12-25.

Conditions:
Retinitis pigmentosa (RP). Identifiers: Orphanet 791, MedGen C0035334, MeSH D012174, MONDO:0019200, OMIM 268000. Inheritance: Autosomal dominant, autosomal recessive and X linked inheritance.
PDE6A-related disorder. Also called: PDE6A-related condition.
Usher syndrome. Also called: Usher Syndromes; Usher's syndrome. Identifiers: Orphanet 886, MedGen CN469326, MeSH D052245, MONDO:0019501. Disease mechanism: loss of function.
Retinitis pigmentosa 43 (RP43). Identifiers: Orphanet 791, MedGen C3151139, MONDO:0013437, OMIM 613810.

Allele frequency attached by ClinVar (database versions not stated): gnomAD 0.00009 and 0.00021; TOPMed 0.00014; gnomAD exomes 0.00042 and 0.00043; ExAC 0.00046; 1000 Genomes Project 30x 0.00047; 1000 Genomes Project 0.00060; ESP Exome Variant Server 0.00008.
gnomAD v4.1: 639 of 1,614,154 alleles (0.04%); highest among the groups gnomAD compares: South Asian, 0.33%; 4 homozygotes.

Submissions (6):

Labcorp Genetics (formerly Invitae), Labcorp
Classification: Likely benign. Last evaluated: 2025-12-25. Review status: criteria provided, single submitter. Criteria: Invitae Variant Classification Sherloc (09022015). Collection method: clinical testing. Allele origin: germline.

Blueprint Genetics
Classification: Likely benign. Last evaluated: 2024-11-23. Review status: criteria provided, single submitter. Criteria: ACMG Guidelines, 2015. Collection method: clinical testing. Allele origin: germline.

PreventionGenetics, part of Exact Sciences
Classification: Likely benign for PDE6A-related condition. Last evaluated: 2024-11-08. Review status: criteria provided, single submitter. Criteria: ACMG Guidelines, 2015. Collection method: clinical testing. Allele origin: germline.
Comment: This variant is classified as likely benign based on ACMG/AMP sequence variant interpretation guidelines (Richards et al. 2015 PMID: 25741868, with internal and published modifications).

Victorian Clinical Genetics Services, Murdoch Childrens Research Institute
Classification: Uncertain significance for Retinitis pigmentosa 43. Last evaluated: 2020-07-02. Review status: criteria provided, single submitter. Criteria: ACMG Guidelines, 2015. Collection method: clinical testing. Allele origin: germline. Inheritance: Autosomal recessive inheritance.
Comment: Based on the classification scheme VCGS_Germline_v1.3.3, this variant is classified as VUS - 3B. Following criteria are met: 0102 - Loss of function is a known mechanism of disease in this gene and is associated with retinitis pigmentosa 43. (I) 0106 - This gene is associated with autosomal recessive disease. (I) 0200 - Variant is predicted to result in a missense amino acid change from an aspartic acid to an asparagine. (I) 0251 - This variant is heterozygous. (I) 0304 - Variant is present in gnomAD v2 <0.01 for a recessive condition (113 heterozygotes, 0 homozygotes). (SP) 0309 - An alternative amino acid change at the same position has been observed in gnomAD v2 (1 heterozygote, 0 homozygotes). (I) 0502 - Missense variant with conflicting in silico predictions and uninformative conservation. (I) 0600 - Variant is located in the annotated GAF domain (NCBI, PDB). (I) 0705 - No comparable missense variants have previous evidence for pathogenicity. (I) 0809 - Previous evidence of pathogenicity for this variant is inconclusive. This variant has been previously reported as a VUS (ClinVar, PMID: 25182519). (I) 0905 - No published segregation evidence has been identified for this variant. (I) 1007 - No published functional evidence has been identified for this variant. (I) 1208 - Inheritance information for this variant is not currently available in this individual. (I) Legend: (SP) - Supporting pathogenic, (I) - Information, (SB) - Supporting benign

Illumina Laboratory Services, Illumina
Classification: Uncertain significance for Retinitis pigmentosa. Last evaluated: 2018-01-13. Review status: criteria provided, single submitter. Criteria: ICSL Variant Classification Criteria 13 December 2019. Collection method: clinical testing. Allele origin: germline.

SN ONGC Dept of Genetics and Molecular biology Vision Research Foundation
Classification: Uncertain significance for Usher syndrome. Review status: criteria provided, single submitter. Criteria: ACMG Guidelines, 2015. Collection method: research. Allele origin: unknown. Affected: yes. Observed: 1 variant allele, 1 compound heterozygote.

Literature cited by the submitters: PubMed 25182519 (cited by Victorian Clinical Genetics Services, Murdoch Childrens Research Institute).